The following is an entry in ClinVar:

ClinVar aggregate classification (germline): Likely pathogenic (1 of 4 stars; one submission).

Conditions:
Carpenter syndrome. Identifiers: Orphanet 65759, MedGen C1275078, MONDO:0019012.

Submission:

Labcorp Genetics (formerly Invitae), Labcorp
Classification: Likely pathogenic for Carpenter syndrome. Last evaluated: 2021-03-19. Review status: criteria provided, single submitter. Criteria: Invitae Variant Classification Sherloc (09022015). Collection method: clinical testing. Allele origin: germline.
Comment: In summary, the currently available evidence indicates that the variant is pathogenic, but additional data are needed to prove that conclusively. Therefore, this variant has been classified as Likely Pathogenic. Algorithms developed to predict the effect of sequence changes on RNA splicing suggest that this variant may disrupt the consensus splice site, but this prediction has not been confirmed by published transcriptional studies. This variant has not been reported in the literature in individuals with RAB23-related conditions. This variant is not present in population databases (ExAC no frequency). This variant results in the deletion of part of exon 4 (c.358_398+177delinsGGTGTACAGTTG) of the RAB23 gene. It is expected to disrupt RNA splicing. Variants that disrupt the donor or acceptor splice site typically lead to a loss of protein function (PMID: 16199547), and loss-of-function variants in RAB23 are known to be pathogenic (PMID: 17503333, 21412941).

Literature cited by the submitters: PubMed 16199547; PubMed 17503333; PubMed 21412941.

NM_016277.5(RAB23):c.358_398+177delinsGGTGTACAGTTG

Gene: RAB23 (RAB23, member RAS oncogene family; minus strand). Cytogenetic location: 6p12.1.
Variant type: Indel.
Coding change: c.358_398+177delinsGGTGTACAGTTG on transcript NM_016277.5 (MANE Select); coding-DNA position 358 through 177 bases into the intron after coding-DNA position 398, the reference bases replaced by GGTGTACAGTTG.
Molecular consequence: splice donor variant.
Genome position (GRCh38, 1-based): chr6:57,196,273-57,196,490, 218 bases replaced. GRCh37 (hg19): chr6:57,061,071-57,061,288.
Other names: c.358_398+177delinsGGTGTACAGTTG (NM_001278666.2, NM_001278667.2, NM_001278668.2 and 1 more transcripts).
Identifiers: ClinVar variation 1476916 (VCV001476916.6), dbSNP rs2127998544, ClinGen allele CA2573141090.